The following is an entry in ClinVar:

ClinVar aggregate classification (germline): Conflicting classifications of pathogenicity. Review status: criteria provided, conflicting classifications (1 of 4 stars). 6 submissions from 6 submitters: Uncertain significance (1); Likely benign (5). Last evaluated 2025-12-26.

Conditions:
Melnick-Needles syndrome (MNS). Also called: Melnick-Needles Syndrome (FLNA-MNS); MELNICK-NEEDLES OSTEODYSPLASTY; OSTEODYSPLASTY OF MELNICK AND NEEDLES. Identifiers: Orphanet 2484, MedGen C0025237, MONDO:0010650, OMIM 309350.
Heterotopia, periventricular, X-linked dominant (PVNH1). Also called: X-linked periventricular heterotopia; PERIVENTRICULAR NODULAR HETEROTOPIA 4; HETEROTOPIA, PERIVENTRICULAR, 1; PERIVENTRICULAR NODULAR HETEROTOPIA 1. Identifiers: Orphanet 2149, Orphanet 82004, MedGen C1848213, MONDO:0010233, OMIM 300049.
Frontometaphyseal dysplasia (FMD1). Identifiers: Orphanet 1826, MedGen C0265293, MONDO:0015942.
Oto-palato-digital syndrome, type II (OPD2). Also called: Otopalatodigital Syndrome Type 2 (FLNA-OPD2); FACIOPALATOOSSEOUS SYNDROME; Otopalatodigital Syndrome, Type II; OPD II SYNDROME. Identifiers: Orphanet 669, Orphanet 90652, MedGen C1844696, MONDO:0010571, OMIM 304120.
Familial thoracic aortic aneurysm and aortic dissection (TAAD). Also called: Thoracic aortic aneurysms and dissections. Identifiers: Orphanet 91387, MedGen C4707243, MONDO:0019625.

Allele frequency attached by ClinVar (database versions not stated): gnomAD exomes 0.00003 and 0.00005; TOPMed 0.00004; ExAC 0.00005; gnomAD 0.00009 and 0.00010; ESP Exome Variant Server 0.00010.
gnomAD v4.1: 68 of 1,209,945 alleles (0.0056%); highest among the groups gnomAD compares: Non-Finnish European, 0.0069%; no homozygotes.

Submissions (6):

Labcorp Genetics (formerly Invitae), Labcorp
Classification: Likely benign for Oto-palato-digital syndrome, type II; Heterotopia, periventricular, X-linked dominant; Frontometaphyseal dysplasia; Melnick-Needles syndrome. Last evaluated: 2025-12-26. Review status: criteria provided, single submitter. Criteria: Invitae Variant Classification Sherloc (09022015). Collection method: clinical testing. Allele origin: germline.

CeGaT Center for Human Genetics Tuebingen
Classification: Likely benign. Last evaluated: 2025-07-01. Review status: criteria provided, single submitter. Criteria: CeGaT Center For Human Genetics Tuebingen Variant Classification Criteria Version 2. Collection method: clinical testing. Allele origin: germline. Affected: yes. Observed: 1 variant allele.
Comment: FLNA: BP4, BP7, BS2

Laboratory of Genetics, Children's Clinical University Hospital Latvia
Classification: Likely benign. Last evaluated: 2025-02-16. Review status: criteria provided, single submitter. Criteria: ACMG Guidelines, 2015. Collection method: clinical testing. Allele origin: germline. Affected: yes.

GeneDx
Classification: Likely benign. Last evaluated: 2020-12-22. Review status: criteria provided, single submitter. Criteria: GeneDx Variant Classification Process June 2021. Collection method: clinical testing. Allele origin: germline. Affected: yes.

Ambry Genetics
Classification: Likely benign for Familial thoracic aortic aneurysm and aortic dissection. Last evaluated: 2017-06-15. Review status: criteria provided, single submitter. Criteria: Ambry Variant Classification Scheme 2023. Collection method: clinical testing. Allele origin: germline.

Eurofins Ntd Llc (ga)
Classification: Uncertain significance. Last evaluated: 2016-03-28. Review status: criteria provided, single submitter. Criteria: EGL Classification Definitions 2015. Collection method: clinical testing. Allele origin: germline. Observed: 1 variant allele, 1 heterozygote.

NM_001110556.2(FLNA):c.7362G>A (p.Thr2454=)

Gene: FLNA (filamin A; minus strand). Cytogenetic location: Xq28.
Variant type: single nucleotide variant.
Coding change: c.7362G>A on transcript NM_001110556.2 (MANE Select); coding-DNA position 7362, G replaced by A.
Protein change: p.Thr2454=; no amino-acid change (threonine 2454 retained).
Molecular consequence: synonymous variant.
Genome position (GRCh38, 1-based): chrX:154,349,839, C>T on the plus strand (G>A on the coding strand, the complement: FLNA is on the minus strand). VCF-style: chrX-154349839-C-T. GRCh37 (hg19) VCF-style: chrX-153578207-C-T.
Other names: c.7338G>A, p.Thr2446= (NM_001456.4).
Identifiers: ClinVar variation 286709 (VCV000286709.31), dbSNP rs369179210, ClinGen allele CA10559899.
Genomic context (GRCh38, chrX:154,349,839, plus strand): 5'-CATCTTCACCTTGGAGGGGCCGTCAATGGTCACCGACAGGGCACCAGCTCCCGCATTGCT[C>T]GTGTTCACGACGAACTCAGCTGGGTTCCCTGGGAGCACAGGAGGTCAGGCAGAGCCAGAC-3'
Protein context (NP_001104026.1, residues 2444-2464): TGNPAEFVVN[Thr2454=]SNAGAGALSV